The following is an entry in ClinVar:

NM_000071.3(CBS):c.996C>A (p.Phe332Leu)

Gene: CBS (cystathionine beta-synthase; minus strand). Cytogenetic location: 21q22.3.
Variant type: single nucleotide variant.
Coding change: c.996C>A on transcript NM_000071.3 (MANE Select); coding-DNA position 996, C replaced by A.
Protein change: p.Phe332Leu; replaces phenylalanine 332 with leucine.
Molecular consequence: missense variant.
Genome position (GRCh38, 1-based): chr21:43,062,354, G>T on the plus strand (C>A on the coding strand, the complement: CBS is on the minus strand). VCF-style: chr21-43062354-G-T. GRCh37 (hg19) VCF-style: chr21-44482464-G-T.
Other names: c.996C>A, p.Phe332Leu (NM_001178008.3, NM_001178009.3, NM_001320298.2); c.681C>A, p.Phe227Leu (NM_001321072.1); short protein forms F227L, F332L.
Identifiers: ClinVar variation 3061619 (VCV003061619.3), dbSNP rs2517424799, ClinGen allele CA410599822.

ClinVar aggregate classification (germline): Uncertain significance. Review status: criteria provided, single submitter (1 of 4 stars). 2 submissions from 2 submitters: Uncertain significance (1). 1 of the submissions does not count toward it. Last evaluated 2025-09-13.

Conditions:
HYPERHOMOCYSTEINEMIA, THROMBOTIC, CBS-RELATED. Identifiers: MedGen C3150344, OMIM 236200.
CBS-related disorder. Also called: CBS-related condition.

Submissions (2):

Labcorp Genetics (formerly Invitae), Labcorp
Classification: Uncertain significance for HYPERHOMOCYSTEINEMIA, THROMBOTIC, CBS-RELATED. Last evaluated: 2025-09-13. Review status: criteria provided, single submitter. Criteria: Invitae Variant Classification Sherloc (09022015). Collection method: clinical testing. Allele origin: germline.
Comment: This sequence change replaces phenylalanine, which is neutral and non-polar, with leucine, which is neutral and non-polar, at codon 332 of the CBS protein (p.Phe332Leu). This variant is not present in population databases (gnomAD no frequency). This variant has not been reported in the literature in individuals affected with CBS-related conditions. ClinVar contains an entry for this variant (Variation ID: 3061619). Invitae Evidence Modeling of protein sequence and biophysical properties (such as structural, functional, and spatial information, amino acid conservation, physicochemical variation, residue mobility, and thermodynamic stability) indicates that this missense variant is expected to disrupt CBS protein function with a positive predictive value of 80%. In summary, the available evidence is currently insufficient to determine the role of this variant in disease. Therefore, it has been classified as a Variant of Uncertain Significance.

PreventionGenetics, part of Exact Sciences
Classification: Uncertain significance for CBS-related condition. Last evaluated: 2024-06-28. Review status: no assertion criteria provided. Collection method: clinical testing. Allele origin: germline. Not counted in ClinVar's aggregate classification.
Comment: The CBS c.996C>A variant is predicted to result in the amino acid substitution p.Phe332Leu. To our knowledge, this variant has not been reported in the literature or in a large population database, indicating this variant is rare. At this time, the clinical significance of this variant is uncertain due to the absence of conclusive functional and genetic evidence.